The following is an entry in ClinVar:

NM_025215.6(PUS1):c.855G>A (p.Lys285=)

Gene: PUS1 (pseudouridine synthase 1; plus strand). Cytogenetic location: 12q24.33.
Variant type: single nucleotide variant.
Coding change: c.855G>A on transcript NM_025215.6 (MANE Select); coding-DNA position 855, G replaced by A.
Protein change: p.Lys285=; no amino-acid change (lysine 285 retained).
Molecular consequence: synonymous variant.
Genome position (GRCh38, 1-based): chr12:131,941,602, G>A. VCF-style: chr12-131941602-G-A. GRCh37 (hg19) VCF-style: chr12-132426147-G-A.
Other names: c.771G>A, p.Lys257= (NM_001002019.3, NM_001002020.3).
Identifiers: ClinVar variation 391372 (VCV000391372.37), dbSNP rs144648926, ClinGen allele CA6884258.

ClinVar aggregate classification (germline): Likely benign. Review status: criteria provided, multiple submitters, no conflicts (2 of 4 stars). 4 submissions from 4 submitters: Likely benign (3). 1 of the submissions does not count toward it. Last evaluated 2026-01-19.

Conditions:
PUS1-related disorder. Also called: PUS1-related condition.

Allele frequency attached by ClinVar (database versions not stated): TOPMed 0.00004; ExAC 0.00007; ESP Exome Variant Server 0.00008; gnomAD exomes 0.00009.
gnomAD v4.1: 125 of 1,614,230 alleles (0.0077%); highest among the groups gnomAD compares: Middle Eastern, 0.099%; no homozygotes.

Submissions (4):

Labcorp Genetics (formerly Invitae), Labcorp
Classification: Likely benign. Last evaluated: 2026-01-19. Review status: criteria provided, single submitter. Criteria: Invitae Variant Classification Sherloc (09022015). Collection method: clinical testing. Allele origin: germline.

CeGaT Center for Human Genetics Tuebingen
Classification: Likely benign. Last evaluated: 2022-06-01. Review status: criteria provided, single submitter. Criteria: CeGaT Center For Human Genetics Tuebingen Variant Classification Criteria Version 2. Collection method: clinical testing. Allele origin: germline. Affected: yes. Observed: 1 variant allele.
Comment: PUS1: BP4, BP7

GeneDx
Classification: Likely benign. Last evaluated: 2021-06-25. Review status: criteria provided, single submitter. Criteria: GeneDx Variant Classification Process June 2021. Collection method: clinical testing. Allele origin: germline. Affected: yes.

PreventionGenetics, part of Exact Sciences
Classification: Likely benign for PUS1-related condition. Last evaluated: 2023-01-05. Review status: no assertion criteria provided. Collection method: clinical testing. Allele origin: germline. Not counted in ClinVar's aggregate classification.
Comment: This variant is classified as likely benign based on ACMG/AMP sequence variant interpretation guidelines (Richards et al. 2015 PMID: 25741868, with internal and published modifications).